The following is an entry in ClinVar:

NM_014915.3(ANKRD26):c.1166A>G (p.Asn389Ser)

Gene: ANKRD26 (ankyrin repeat domain 26; minus strand). Cytogenetic location: 10p12.1.
Variant type: single nucleotide variant.
Coding change: c.1166A>G on transcript NM_014915.3 (MANE Select); coding-DNA position 1166, A replaced by G.
Protein change: p.Asn389Ser; replaces asparagine 389 with serine.
Molecular consequence: missense variant.
Genome position (GRCh38, 1-based): chr10:27,067,198, T>C on the plus strand (A>G on the coding strand, the complement: ANKRD26 is on the minus strand). VCF-style: chr10-27067198-T-C. GRCh37 (hg19) VCF-style: chr10-27356127-T-C.
Other names: c.1166A>G, p.Asn389Ser (NM_001256053.2); short protein forms N389S.
Identifiers: ClinVar variation 451694 (VCV000451694.12), dbSNP rs372397062, ClinGen allele CA5448673.

ClinVar aggregate classification (germline): Uncertain significance. Review status: criteria provided, multiple submitters, no conflicts (2 of 4 stars). 4 submissions from 4 submitters: Uncertain significance (4). Last evaluated 2025-09-28.

Conditions:
Inborn genetic diseases. Identifiers: MedGen C0950123, MeSH D030342.
Thrombocytopenia 2 (THC2). Also called: ANKRD26-Related Thrombocytopenia. Identifiers: Orphanet 268322, MedGen C1861185, MONDO:0008555, OMIM 188000.

Allele frequency attached by ClinVar (database versions not stated): gnomAD exomes 0.00003 and 0.00005; TOPMed 0.00004; gnomAD 0.00005; ExAC 0.00006; ESP Exome Variant Server 0.00008.
gnomAD v4.1: 57 of 1,613,728 alleles (0.0035%); highest among the groups gnomAD compares: Non-Finnish European, 0.0043%; no homozygotes.

Submissions (4):

Labcorp Genetics (formerly Invitae), Labcorp
Classification: Uncertain significance. Last evaluated: 2025-09-28. Review status: criteria provided, single submitter. Criteria: Invitae Variant Classification Sherloc (09022015). Collection method: clinical testing. Allele origin: germline.
Comment: This sequence change replaces asparagine, which is neutral and polar, with serine, which is neutral and polar, at codon 389 of the ANKRD26 protein (p.Asn389Ser). This variant is present in population databases (rs372397062, gnomAD 0.01%). This variant has not been reported in the literature in individuals affected with ANKRD26-related conditions. ClinVar contains an entry for this variant (Variation ID: 451694). An algorithm developed to predict the effect of missense changes on protein structure and function outputs the following: PolyPhen-2: "Benign". The serine amino acid residue is found in multiple mammalian species, which suggests that this missense change does not adversely affect protein function. In summary, the available evidence is currently insufficient to determine the role of this variant in disease. Therefore, it has been classified as a Variant of Uncertain Significance.

Ambry Genetics
Classification: Uncertain significance for Inborn genetic diseases. Last evaluated: 2024-11-25. Review status: criteria provided, single submitter. Criteria: Ambry Variant Classification Scheme 2023. Collection method: clinical testing. Allele origin: germline.
Comment: The p.N389S variant (also known as c.1166A>G), located in coding exon 10 of the ANKRD26 gene, results from an A to G substitution at nucleotide position 1166. The asparagine at codon 389 is replaced by serine, an amino acid with highly similar properties. This amino acid position is conserved. In addition, this alteration is predicted to be tolerated by in silico analysis. Based on the available evidence, the clinical significance of this variant remains unclear.

GeneDx
Classification: Uncertain significance. Last evaluated: 2024-10-01. Review status: criteria provided, single submitter. Criteria: GeneDx Variant Classification Process June 2021. Collection method: clinical testing. Allele origin: germline. Affected: yes.
Comment: In silico analysis indicates that this missense variant does not alter protein structure/function; Has not been previously published as pathogenic or benign to our knowledge

St. Jude Molecular Pathology, St. Jude Children's Research Hospital
Classification: Uncertain significance for Thrombocytopenia 2. Last evaluated: 2023-09-05. Review status: criteria provided, single submitter. Criteria: St. Jude Assertion Criteria 2020. Collection method: clinical testing. Allele origin: germline.
Comment: The ANKRD26 c.1166A>G (p.Asn389Ser) missense change has a maximum subpopulation frequency of 0.01% in gnomAD v2.1.1. This variant is not located in the 5’ UTR. The in silico tool REVEL predicts a benign effect on protein function, but to our knowledge this prediction has not been confirmed by functional studies. To our knowledge, this variant has not been reported in individuals with thrombocytopenia and/or myeloid malignancies. In summary, the evidence currently available is insufficient to determine the clinical significance of this variant. It has therefore been classified as of uncertain significance.